The following is an entry in ClinVar:

ClinVar aggregate classification (germline): Likely benign (1 of 4 stars; one submission).

Submission:

GeneDx
Classification: Likely benign. Last evaluated: 2016-03-03. Review status: criteria provided, single submitter. Criteria: GeneDx Variant Classification (06012015). Collection method: clinical testing. Allele origin: germline. Affected: yes.
Comment: This variant is considered likely benign or benign based on one or more of the following criteria: it is a conservative change, it occurs at a poorly conserved position in the protein, it is predicted to be benign by multiple in silico algorithms, and/or has population frequency not consistent with disease.

NM_004863.4(SPTLC2):c.128G>C (p.Gly43Ala)

Gene: SPTLC2 (serine palmitoyltransferase long chain base subunit 2; minus strand). Cytogenetic location: 14q24.3.
Variant type: single nucleotide variant.
Coding change: c.128G>C on transcript NM_004863.4 (MANE Select); coding-DNA position 128, G replaced by C.
Protein change: p.Gly43Ala; replaces glycine 43 with alanine.
Molecular consequence: missense variant.
Genome position (GRCh38, 1-based): chr14:77,616,452, C>G on the plus strand (G>C on the coding strand, the complement: SPTLC2 is on the minus strand). VCF-style: chr14-77616452-C-G. GRCh37 (hg19) VCF-style: chr14-78082795-C-G.
Other names: short protein forms G43A.
Identifiers: ClinVar variation 383586 (VCV000383586.1), dbSNP rs1057521684, ClinGen allele CA16607031.